The following is an entry in ClinVar:

ClinVar aggregate classification (germline): Uncertain significance (1 of 4 stars; one submission).

Submission:

Laboratorio de Genetica e Diagnostico Molecular, Hospital Israelita Albert Einstein
Classification: Uncertain significance. Last evaluated: 2021-06-29. Review status: criteria provided, single submitter. Criteria: ACMG Guidelines, 2015. Collection method: clinical testing. Allele origin: germline. Affected: yes.
Comment: ACMG classification criteria: PM2, PP2, BP4

NM_000719.7(CACNA1C):c.358A>G (p.Ile120Val)

Gene: CACNA1C (calcium voltage-gated channel subunit alpha1 C; plus strand). Cytogenetic location: 12p13.33.
Variant type: single nucleotide variant.
Coding change: c.358A>G on transcript NM_000719.7 (MANE Select); coding-DNA position 358, A replaced by G.
Protein change: p.Ile120Val; replaces isoleucine 120 with valine.
Molecular consequence: missense variant.
Genome position (GRCh38, 1-based): chr12:2,115,532, A>G. VCF-style: chr12-2115532-A-G. GRCh37 (hg19) VCF-style: chr12-2224698-A-G.
Other names: c.358A>G, p.Ile120Val (NM_001129827.2, NM_001129829.2, NM_001129830.3 and 19 more transcripts); short protein forms I120V.
Identifiers: ClinVar variation 1690403 (VCV001690403.2), dbSNP rs2154137217, ClinGen allele CA383653469.